The following is an entry in ClinVar:

ClinVar aggregate classification (germline): Likely benign. Review status: criteria provided, multiple submitters, no conflicts (2 of 4 stars). 3 submissions from 3 submitters: Likely benign (3). Last evaluated 2025-09-04.

Submissions (3):

Labcorp Genetics (formerly Invitae), Labcorp
Classification: Likely benign. Last evaluated: 2025-09-04. Review status: criteria provided, single submitter. Criteria: Invitae Variant Classification Sherloc (09022015). Collection method: clinical testing. Allele origin: germline.

Women's Health and Genetics/Laboratory Corporation of America, LabCorp
Classification: Likely benign. Last evaluated: 2025-09-03. Review status: criteria provided, single submitter. Criteria: LabCorp Variant Classification Summary - May 2015. Collection method: clinical testing. Allele origin: germline.
Comment: Variant summary: KCNC3 c.642_650delCAACGCCGC (p.Asn215_Ala217del) results in an in-frame deletion that is predicted to remove three amino acids from the encoded protein. The variant allele was found at a frequency of 0.00015 in 160630 control chromosomes, predominantly at a frequency of 0.001 within the East Asian subpopulation in the gnomAD database. The observed variant frequency within East Asian control individuals in the gnomAD database exceeds the estimated maximal expected allele frequency for disease-causing variants in KCNC3. To our knowledge, no occurrence of c.642_650delCAACGCCGC in individuals affected with KCNC3-related conditions and no experimental evidence demonstrating its impact on protein function have been reported. ClinVar contains an entry for this variant (Variation ID: 1523040). Based on the evidence outlined above, the variant was classified as likely benign.

CeGaT Center for Human Genetics Tuebingen
Classification: Likely benign. Last evaluated: 2023-12-01. Review status: criteria provided, single submitter. Criteria: CeGaT Center For Human Genetics Tuebingen Variant Classification Criteria Version 2. Collection method: clinical testing. Allele origin: germline. Affected: yes. Observed: 1 variant allele.
Comment: KCNC3: PM4:Supporting, BS1

NM_004977.3(KCNC3):c.633CAACGCCGC[1] (p.212NAA[1])

Gene: KCNC3 (potassium voltage-gated channel subfamily C member 3; minus strand). Cytogenetic location: 19q13.33.
Variant type: Microsatellite.
Coding change: c.633CAACGCCGC[1] on transcript NM_004977.3 (MANE Select); one copy of the 9-base unit CAACGCCGC starting at c.633; the reference has two copies in a row; one copy, 9 bases deleted.
Protein change: p.212NAA[1].
Molecular consequence: inframe deletion.
Genome position (GRCh38, 1-based): chr19:50,328,433-50,328,441, GCGGCGTTG deleted on the plus strand (CAACGCCGC on the coding strand, the reverse complement: KCNC3 is on the minus strand); deleting any 9 consecutive bases within chr19:50,328,433-50,328,456 gives the same sequence; the position shown is the placement nearest the transcript's 3' end. VCF-style (leftmost placement, unchanged base first): chr19-50328432-TGCGGCGTTG-T. GRCh37 (hg19) VCF-style: chr19-50831689-TGCGGCGTTG-T.
Other names: c.405CAACGCCGC[1], p.136NAA[1] (NM_001372305.1); c.642_650delCAACGCCGC (NM_004977.3).
Identifiers: ClinVar variation 1523040 (VCV001523040.30), dbSNP rs757605455, ClinGen allele CA9594349.